The following is an entry in ClinVar:

NM_173651.4(FSIP2):c.-4G>A

Genes: FSIP2 (fibrous sheath interacting protein 2; plus strand), FSIP2-AS2 (FSIP2 antisense RNA 2; minus strand). Cytogenetic location: 2q32.1.
Variant type: single nucleotide variant.
Coding change: c.-4G>A on transcript NM_173651.4 (MANE Select); 4 bases upstream of the start codon, G replaced by A.
Molecular consequence: 5 prime UTR variant.
Genome position (GRCh38, 1-based): chr2:185,738,891, G>A. VCF-style: chr2-185738891-G-A. GRCh37 (hg19) VCF-style: chr2-186603618-G-A.
Identifiers: ClinVar variation 3039107 (VCV003039107.2), dbSNP rs10179791, ClinGen allele CA2016407.
Genomic context (GRCh38, chr2:185,738,891, plus strand): 5'-CAACGGGGTGCTAGAGAAGGAGAGCGGGGCGGGTGAGGAAGGGGCTGAGGGGGCTGTGCC[G>A]GCCATGGAGCTGTACCTCGGCGCCTGCTCCAAGCCTGCCAAAGTCGCCGTCACCAAGACG-3'

ClinVar aggregate classification (germline): Likely benign (0 of 4 stars; one submission).

Conditions:
FSIP2-related disorder. Also called: FSIP2-related condition.

Allele frequency attached by ClinVar (database versions not stated): ExAC 0.00047; gnomAD 0.00930; 1000 Genomes Project 0.01098; 1000 Genomes Project 30x 0.01202.

Submission:

PreventionGenetics, part of Exact Sciences
Classification: Likely benign for FSIP2-related condition. Last evaluated: 2019-04-11. Review status: no assertion criteria provided. Collection method: clinical testing. Allele origin: germline.
Comment: This variant is classified as likely benign based on ACMG/AMP sequence variant interpretation guidelines (Richards et al. 2015 PMID: 25741868, with internal and published modifications).